The following is an entry in ClinVar:

ClinVar aggregate classification (germline): Pathogenic (1 of 4 stars; one submission).

Conditions:
Familial cancer of breast. Also called: hereditary breast carcinoma; BREAST CANCER, FAMILIAL; Hereditary breast cancer. Identifiers: Orphanet 227535, MedGen C0346153, MONDO:0016419, OMIM 114480. Disease mechanism: loss of function.

Submission:

Labcorp Genetics (formerly Invitae), Labcorp
Classification: Pathogenic for Familial cancer of breast. Last evaluated: 2022-08-16. Review status: criteria provided, single submitter. Criteria: Invitae Variant Classification Sherloc (09022015). Collection method: clinical testing. Allele origin: germline.
Comment: For these reasons, this variant has been classified as Pathogenic. This variant has not been reported in the literature in individuals affected with CHEK2-related conditions. This variant is not present in population databases (gnomAD no frequency). This sequence change creates a premature translational stop signal (p.Tyr329*) in the CHEK2 gene. It is expected to result in an absent or disrupted protein product. Loss-of-function variants in CHEK2 are known to be pathogenic (PMID: 21876083, 24713400).

Literature cited by the submitters: PubMed 21876083; PubMed 24713400.

NM_007194.4(CHEK2):c.987C>G (p.Tyr329Ter)

Gene: CHEK2 (checkpoint kinase 2; minus strand). Cytogenetic location: 22q12.1.
Variant type: single nucleotide variant.
Coding change: c.987C>G on transcript NM_007194.4 (MANE Select); coding-DNA position 987, C replaced by G.
Protein change: p.Tyr329Ter; replaces tyrosine 329 with a stop codon.
Molecular consequence: nonsense.
Genome position (GRCh38, 1-based): chr22:28,699,859, G>C on the plus strand (C>G on the coding strand, the complement: CHEK2 is on the minus strand). VCF-style: chr22-28699859-G-C. GRCh37 (hg19) VCF-style: chr22-29095847-G-C.
Other names: c.1116C>G, p.Tyr372Ter (NM_001005735.3); c.324C>G, p.Tyr108Ter (NM_001257387.3); c.786C>G, p.Tyr262Ter (NM_001349956.3); c.987C>G, p.Tyr329Ter (NM_145862.3); short protein forms Y108*, Y262*, Y329*, Y372*.
Identifiers: ClinVar variation 2011895 (VCV002011895.4), dbSNP rs2145842116, ClinGen allele CA411099491.